The following is an entry in ClinVar:

NM_001282225.2(ADA2):c.1013A>G (p.Lys338Arg)

Gene: ADA2 (adenosine deaminase 2; minus strand). Cytogenetic location: 22q11.1.
Variant type: single nucleotide variant.
Coding change: c.1013A>G on transcript NM_001282225.2 (MANE Select); coding-DNA position 1013, A replaced by G.
Protein change: p.Lys338Arg; replaces lysine 338 with arginine.
Molecular consequence: missense variant.
Genome position (GRCh38, 1-based): chr22:17,188,407, T>C on the plus strand (A>G on the coding strand, the complement: ADA2 is on the minus strand). VCF-style: chr22-17188407-T-C. GRCh37 (hg19) VCF-style: chr22-17669297-T-C.
Other names: c.1013A>G, p.Lys338Arg (NM_001282226.2); c.887A>G, p.Lys296Arg (NM_001282227.2, NM_001282228.2); c.653A>G, p.Lys218Arg (NM_001282229.2); c.290A>G, p.Lys97Arg (NM_177405.3); short protein forms K218R, K97R, K296R, K338R.
Identifiers: ClinVar variation 933388 (VCV000933388.7), dbSNP rs573337330, ClinGen allele CA10087998.

ClinVar aggregate classification (germline): Uncertain significance (1 of 4 stars; one submission).

Conditions:
Deficiency of adenosine deaminase 2. Also called: Polyarteritis nodosa, childhoood-onset; VASCULITIS, AUTOINFLAMMATION, IMMUNODEFICIENCY, AND HEMATOLOGIC DEFECTS SYNDROME; Adenosine Deaminase 2 Deficiency. Identifiers: Orphanet 404553, MedGen C3887654, MONDO:0014306, OMIM 615688, MONDO:0100317.

Allele frequency attached by ClinVar (database versions not stated): ExAC 0.00002; gnomAD exomes 0.00002 and 0.00003; gnomAD 0.00009 and 0.00010; TOPMed 0.00010; 1000 Genomes Project 30x 0.00047; 1000 Genomes Project 0.00060.
gnomAD v4.1: 50 of 1,614,092 alleles (0.0031%); highest among the groups gnomAD compares: Admixed American, 0.025%; no homozygotes.

Submission:

Labcorp Genetics (formerly Invitae), Labcorp
Classification: Uncertain significance for Deficiency of adenosine deaminase 2. Last evaluated: 2022-08-19. Review status: criteria provided, single submitter. Criteria: Invitae Variant Classification Sherloc (09022015). Collection method: clinical testing. Allele origin: germline.
Comment: This sequence change replaces lysine, which is basic and polar, with arginine, which is basic and polar, at codon 338 of the ADA2 protein (p.Lys338Arg). This variant is present in population databases (rs573337330, gnomAD 0.01%). This variant has not been reported in the literature in individuals affected with ADA2-related conditions. ClinVar contains an entry for this variant (Variation ID: 933388). Algorithms developed to predict the effect of missense changes on protein structure and function output the following: SIFT: "Tolerated"; PolyPhen-2: "Benign"; Align-GVGD: "Class C0". The arginine amino acid residue is found in multiple mammalian species, which suggests that this missense change does not adversely affect protein function. Algorithms developed to predict the effect of sequence changes on RNA splicing suggest that this variant may create or strengthen a splice site. In summary, the available evidence is currently insufficient to determine the role of this variant in disease. Therefore, it has been classified as a Variant of Uncertain Significance.